The following is an entry in ClinVar:

ClinVar aggregate classification (germline): Pathogenic. Review status: criteria provided, multiple submitters, no conflicts (2 of 4 stars). 3 submissions from 3 submitters: Pathogenic (3). Last evaluated 2025-06-25.

Conditions:
Hereditary cancer-predisposing syndrome. Also called: Neoplastic Syndromes, Hereditary; Hereditary neoplastic syndrome; Tumor predisposition; Hereditary Cancer Syndrome. Identifiers: Orphanet 140162, MedGen C0027672, MeSH D009386, MONDO:0015356.
Ataxia-telangiectasia syndrome (AT). Also called: Cerebello-oculocutaneous telangiectasia; Immunodeficiency with ataxia telangiectasia; ATAXIA-TELANGIECTASIA, FRESNO VARIANT; Ataxia-telangiectasia, complementation group D; Ataxia telangiectasia (A-T); LOUIS-BAR SYNDROME. Identifiers: Orphanet 100, MedGen C0004135, MONDO:0008840, OMIM 208900.

Submissions (3):

GeneKor MSA
Classification: Pathogenic for Hereditary cancer-predisposing syndrome. Last evaluated: 2025-06-25. Review status: criteria provided, single submitter. Criteria: ACMG Guidelines, 2015. Collection method: clinical testing. Allele origin: germline. Affected: yes.
Comment: This particular finding causes a premature translational stop p.(Leu822Ilefs*8) in the ATM gene. This change is located at the last bases of exon 16 and the first bases of intron 16, thus affecting splicing. This results in the production of a truncated, non-functional protein. Loss-of-function variants in ATM are known to be pathogenic (PMID:23807571, 25614872). RNA analysis of this mutation performed in our lab confirmed this effect on mRNA level (PMID:33893081). This mutation has been described in international literature, in homozygosity, in patients with Ataxia-Telangiectasia (PMID:9043869). Clinvar contains an entry for this variant (VCV001073457.10). For these reasons this variant has been classified as pathogenic.

Ambry Genetics
Classification: Pathogenic for Hereditary cancer-predisposing syndrome. Last evaluated: 2021-09-01. Review status: criteria provided, single submitter. Criteria: Ambry Variant Classification Scheme 2023. Collection method: clinical testing. Allele origin: germline.
Comment: The c.2464_2466+2delTTAGT pathogenic mutation spans the boundary of coding exon 15 and intron 15 of the ATM gene. This mutation results from a deletion of five nucleotides at positions 2464 to 2466+2. This variant has been reported homozygous in an individual with ataxia-telangiectasia (Vorechovsk&yacute; I et al. Eur J Hum Genet. 1996 ;4(6):352-5). In a functional RNA study, this variant was associated with deletion of 5 base pairs in coding exon 15 resulting in a frameshift deletion (Agiannitopoulos K et al. Cancer Genomics Proteomics. 2021;18(3):285-294). In silico splice site analysis predicts that this alteration will result in the creation or strengthening of a novel splice donor site. This variant is considered to be rare based on population cohorts in the Genome Aggregation Database (gnomAD). In addition to the clinical data presented in the literature, alterations that disrupt the canonical splice site are expected to cause aberrant splicing, resulting in an abnormal protein or a transcript that is subject to nonsense-mediated mRNA decay. RNA studies have demonstrated that this alteration results in abnormal splicing in the set of samples tested (Ambry internal data). As such, this alteration is classified as a disease-causing mutation.

Labcorp Genetics (formerly Invitae), Labcorp
Classification: Pathogenic for Ataxia-telangiectasia syndrome. Last evaluated: 2020-12-04. Review status: criteria provided, single submitter. Criteria: Invitae Variant Classification Sherloc (09022015). Collection method: clinical testing. Allele origin: germline.
Comment: This variant is not present in population databases (ExAC no frequency). This sequence change creates a premature translational stop signal (p.Leu822Ilefs*8) in the ATM gene. It is expected to result in an absent or disrupted protein product. This variant also falls at the last nucleotide of exon 16 of the ATM coding sequence, which is part of the consensus splice site for this exon. This variant has been observed homozygous in an individual with ataxia-telangiectasia (PMID: 9043869). Nucleotide substitutions within the consensus splice site are a relatively common cause of aberrant splicing (PMID: 17576681, 9536098). Algorithms developed to predict the effect of sequence changes on RNA splicing suggest that this variant may disrupt the consensus splice site, but this prediction has not been confirmed by published transcriptional studies. Loss-of-function variants in ATM are known to be pathogenic (PMID: 23807571, 25614872). For these reasons, this variant has been classified as Pathogenic.

Literature cited by the submitters: PubMed 23807571 (cited by GeneKor MSA and Labcorp Genetics (formerly Invitae), Labcorp); PubMed 25614872 (cited by GeneKor MSA and Labcorp Genetics (formerly Invitae), Labcorp); PubMed 33893081 (cited by GeneKor MSA and Ambry Genetics); PubMed 9043869 (cited by 3 submitters); PubMed 17576681 (cited by Labcorp Genetics (formerly Invitae), Labcorp); PubMed 9536098 (cited by Labcorp Genetics (formerly Invitae), Labcorp).

NM_000051.4(ATM):c.2464_2466+2del

Gene: ATM (ATM serine/threonine kinase; plus strand). Cytogenetic location: 11q22.3.
Variant type: Deletion.
Coding change: c.2464_2466+2del on transcript NM_000051.4 (MANE Select); coding-DNA position 2464 through the canonical splice donor site of the intron after coding-DNA position 2466, 5 bases deleted (TTAGT; older notation c.2464_2466+2delTTAGT).
Molecular consequence: splice donor variant.
Genome position (GRCh38, 1-based): chr11:108,259,073-108,259,077, TTAGT deleted; deleting any 5 consecutive bases within chr11:108,259,070-108,259,077 gives the same sequence; the c. name uses the placement nearest the transcript's 3' end. VCF-style (leftmost placement, unchanged base first): chr11-108259069-AAGTTT-A. GRCh37 (hg19) VCF-style: chr11-108129796-AAGTTT-A.
Other names: c.2464_2466+2del (NM_001351834.2).
Identifiers: ClinVar variation 1073457 (VCV001073457.11), dbSNP rs2135422352, ClinGen allele CA2499220592.